The following is an entry in ClinVar:

NM_004522.3(KIF5C):c.949A>G (p.Thr317Ala)

Gene: KIF5C (kinesin family member 5C; plus strand). Cytogenetic location: 2q23.1.
Variant type: single nucleotide variant.
Coding change: c.949A>G on transcript NM_004522.3 (MANE Select); coding-DNA position 949, A replaced by G.
Protein change: p.Thr317Ala; replaces threonine 317 with alanine.
Molecular consequence: missense variant. On other transcripts: non-coding transcript variant (1).
Genome position (GRCh38, 1-based): chr2:148,950,443, A>G. VCF-style: chr2-148950443-A-G. GRCh37 (hg19) VCF-style: chr2-149806957-A-G.
Other names: short protein forms T317A.
Identifiers: ClinVar variation 3770052 (VCV003770052.1).

ClinVar aggregate classification (germline): Uncertain significance (1 of 4 stars; one submission).

gnomAD v4.1: 2 of 1,613,802 alleles (0.00012%); highest among the groups gnomAD compares: Non-Finnish European, 0.00017%; no homozygotes.

Submission:

GeneDx
Classification: Uncertain significance. Last evaluated: 2024-09-16. Review status: criteria provided, single submitter. Criteria: GeneDx Variant Classification Process June 2021. Collection method: clinical testing. Allele origin: germline. Affected: yes.
Comment: In silico analysis supports that this missense variant has a deleterious effect on protein structure/function; Has not been previously published as pathogenic or benign to our knowledge